The following is an entry in ClinVar:

ClinVar aggregate classification (germline): Benign/Likely benign. Review status: criteria provided, multiple submitters, no conflicts (2 of 4 stars). 8 submissions from 8 submitters: Benign (5); Likely benign (3). Last evaluated 2026-01-27.

Conditions:
Neuropathy, hereditary sensory and autonomic, type 2B (HSAN2B). Also called: RETREG1-Related HSAN2 (HSAN2B). Identifiers: Orphanet 970, MedGen C2751092, MONDO:0013142, OMIM 613115.
RETREG1-related disorder. Also called: RETREG1-related condition.
Neuropathy, hereditary sensory and autonomic, type 2A (HSAN2A). Also called: ACROOSTEOLYSIS, GIACCAI TYPE; ACROOSTEOLYSIS, NEUROGENIC; WNK1-Related HSAN2 (HSAN2A); HSAN IIA; MORVAN DISEASE; NEUROPATHY, CONGENITAL SENSORY. Identifiers: Orphanet 970, MedGen C2752089, MONDO:0024309, OMIM 201300.

Allele frequency attached by ClinVar (database versions not stated): gnomAD exomes 0.00110 and 0.00266; ExAC 0.00330; gnomAD 0.01064 and 0.01144; ESP Exome Variant Server 0.01133; 1000 Genomes Project 0.01138; 1000 Genomes Project 30x 0.01171; TOPMed 0.01213.
gnomAD v4.1: 3,301 of 1,613,924 alleles (0.2%); highest among the groups gnomAD compares: African/African-American, 3.7%; 55 homozygotes.

Submissions (8):

Labcorp Genetics (formerly Invitae), Labcorp
Classification: Benign. Last evaluated: 2026-01-27. Review status: criteria provided, single submitter. Criteria: Invitae Variant Classification Sherloc (09022015). Collection method: clinical testing. Allele origin: germline.

PreventionGenetics, part of Exact Sciences
Classification: Benign for RETREG1-related condition. Last evaluated: 2025-02-25. Review status: criteria provided, single submitter. Criteria: ACMG Guidelines, 2015. Collection method: clinical testing. Allele origin: germline.
Comment: This variant is classified as benign based on ACMG/AMP sequence variant interpretation guidelines (Richards et al. 2015 PMID: 25741868, with internal and published modifications).

ARUP Laboratories, Molecular Genetics and Genomics, ARUP Laboratories
Classification: Benign for Neuropathy, hereditary sensory and autonomic, type 2B. Last evaluated: 2023-11-29. Review status: criteria provided, single submitter. Criteria: ARUP Molecular Germline Variant Investigation Process 2024. Collection method: clinical testing. Allele origin: germline.

Fulgent Genetics
Classification: Likely benign for Neuropathy, hereditary sensory and autonomic, type 2A; Neuropathy, hereditary sensory and autonomic, type 2B. Last evaluated: 2021-11-01. Review status: criteria provided, single submitter. Criteria: ACMG Guidelines, 2015. Collection method: clinical testing. Allele origin: unknown.

Illumina Laboratory Services, Illumina
Classification: Likely benign for Neuropathy, hereditary sensory and autonomic, type 2B. Last evaluated: 2017-04-27. Review status: criteria provided, single submitter. Criteria: ICSL Variant Classification Criteria 13 December 2019. Collection method: clinical testing. Allele origin: germline.
Comment: This variant was observed as part of a predisposition screen in an ostensibly healthy population. A literature search was performed for the gene, cDNA change, and amino acid change (where applicable). No publications were found based on this search. Allele frequency data from public databases allowed determination this variant is unlikely to cause disease. Therefore, this variant is classified as likely benign.

Mayo Clinic Laboratories, Mayo Clinic
Classification: Benign. Last evaluated: 2017-02-22. Review status: criteria provided, single submitter. Criteria: ACMG Guidelines, 2015. Collection method: clinical testing. Allele origin: germline. Observed: 4 variant alleles.

GeneDx
Classification: Benign. Last evaluated: 2016-02-25. Review status: criteria provided, single submitter. Criteria: GeneDx Variant Classification (06012015). Collection method: clinical testing. Allele origin: germline. Affected: yes.
Comment: This variant is considered likely benign or benign based on one or more of the following criteria: it is a conservative change, it occurs at a poorly conserved position in the protein, it is predicted to be benign by multiple in silico algorithms, and/or has population frequency not consistent with disease.

Breakthrough Genomics
Classification: Likely benign. Review status: criteria provided, single submitter. Criteria: ACMG Guidelines, 2015. Collection method: not provided. Allele origin: germline. Inheritance: Autosomal recessive inheritance. Affected: yes.

NM_001034850.3(RETREG1):c.1135C>G (p.Gln379Glu)

Gene: RETREG1 (reticulophagy regulator 1; minus strand). Cytogenetic location: 5p15.1.
Variant type: single nucleotide variant.
Coding change: c.1135C>G on transcript NM_001034850.3 (MANE Select); coding-DNA position 1135, C replaced by G.
Protein change: p.Gln379Glu; replaces glutamine 379 with glutamic acid.
Molecular consequence: missense variant.
Genome position (GRCh38, 1-based): chr5:16,475,100, G>C on the plus strand (C>G on the coding strand, the complement: RETREG1 is on the minus strand). VCF-style: chr5-16475100-G-C. GRCh37 (hg19) VCF-style: chr5-16475209-G-C.
Other names: c.712C>G, p.Gln238Glu (NM_019000.5); short protein forms Q379E, Q238E.
Identifiers: ClinVar variation 21255 (VCV000021255.24), dbSNP rs34432513, ClinGen allele CA341801.